The following is an entry in ClinVar:

ClinVar aggregate classification (germline): Conflicting classifications of pathogenicity. Review status: criteria provided, conflicting classifications (1 of 4 stars). 2 submissions from 2 submitters: Uncertain significance (1); Likely benign (1). Last evaluated 2024-11-09.

Conditions:
Inborn genetic diseases. Identifiers: MedGen C0950123, MeSH D030342.

Allele frequency attached by ClinVar (database versions not stated): gnomAD exomes below 0.00001; gnomAD 0.00001; TOPMed 0.00002.
gnomAD v4.1: 5 of 1,613,830 alleles (0.00031%); highest among the groups gnomAD compares: African/African-American, 0.0053%; no homozygotes.

Submissions (2):

Ambry Genetics
Classification: Likely benign for Inborn genetic diseases. Last evaluated: 2024-11-09. Review status: criteria provided, single submitter. Criteria: Ambry Variant Classification Scheme 2023. Collection method: clinical testing. Allele origin: germline.

Labcorp Genetics (formerly Invitae), Labcorp
Classification: Uncertain significance. Last evaluated: 2023-07-24. Review status: criteria provided, single submitter. Criteria: Invitae Variant Classification Sherloc (09022015). Collection method: clinical testing. Allele origin: germline.
Comment: This sequence change replaces arginine, which is basic and polar, with lysine, which is basic and polar, at codon 1965 of the VCAN protein (p.Arg1965Lys). This variant is present in population databases (no rsID available, gnomAD 0.007%). This variant has not been reported in the literature in individuals affected with VCAN-related conditions. Algorithms developed to predict the effect of missense changes on protein structure and function output the following: SIFT: "Not Available"; PolyPhen-2: "Benign"; Align-GVGD: "Not Available". The lysine amino acid residue is found in multiple mammalian species, which suggests that this missense change does not adversely affect protein function. In summary, the available evidence is currently insufficient to determine the role of this variant in disease. Therefore, it has been classified as a Variant of Uncertain Significance.

NM_004385.5(VCAN):c.5894G>A (p.Arg1965Lys)

Genes: VCAN (versican; plus strand), VCAN-AS1 (VCAN antisense RNA 1; minus strand). Cytogenetic location: 5q14.3.
Variant type: single nucleotide variant.
Coding change: c.5894G>A on transcript NM_004385.5 (MANE Select); coding-DNA position 5894, G replaced by A.
Protein change: p.Arg1965Lys; replaces arginine 1965 with lysine.
Molecular consequence: missense variant. On other transcripts: intron variant (2).
Genome position (GRCh38, 1-based): chr5:83,538,897, G>A. VCF-style: chr5-83538897-G-A. GRCh37 (hg19) VCF-style: chr5-82834716-G-A.
Other names: c.5894G>A (NM_004385.4); c.2933G>A, p.Arg978Lys (NM_001164097.2); c.4004-6640G>A (NM_001164098.2); c.1043-6640G>A (NM_001126336.3); short protein forms R1965K, R978K.
Identifiers: ClinVar variation 2785608 (VCV002785608.4), dbSNP rs1486008175, ClinGen allele CA360311387.
Genomic context (GRCh38, chr5:83,538,897, plus strand): 5'-CTCATCCCATAGCAAAAGAAGAAACGGTAATGATGGAAGGCTCTGGAGATGCAGCATTTA[G>A]GGACACCCAGACTTCACCATCTACAGTACCTACTTCAGTTCACATCAGTCACATATCTGA-3'
Protein context (NP_004376.2, residues 1955-1975): MMEGSGDAAF[Arg1965Lys]DTQTSPSTVP